The following is an entry in ClinVar:

ClinVar aggregate classification (germline): Uncertain significance. Review status: reviewed by expert panel (3 of 4 stars). 5 submissions from 5 submitters: Uncertain significance (1). 4 of the submissions do not count toward it. Last evaluated 2026-08-24.

Conditions:
Inborn genetic diseases. Identifiers: MedGen C0950123, MeSH D030342.
Christianson syndrome (MRXSCH). Also called: X-linked mental retardation, syndromic, Christianson type; SLC9A6-Related Syndromic Mental Retardation; INTELLECTUAL DEVELOPMENTAL DISORDER, X-LINKED, SYNDROMIC, CHRISTIANSON TYPE. Identifiers: Orphanet 85278, MedGen C2678194, MONDO:0010278, OMIM 300243.

Allele frequency attached by ClinVar (database versions not stated): gnomAD exomes below 0.00001; ExAC 0.00001.
gnomAD v4.1: 1 of 1,208,900 alleles (0.000083%); highest among the groups gnomAD compares: South Asian, 0.0018%; no homozygotes.

Submissions (5):

ClinGen Rett and Angelman-like Disorders Variant Curation Expert Panel
Classification: Uncertain significance for Christianson syndrome. Last evaluated: 2026-08-24. Review status: reviewed by expert panel. Criteria: ClinGen RettAS ACMG Specifications SLC9A6 V6.0. Collection method: curation. Allele origin: germline. Inheritance: X-linked inheritance.
Comment: The highest population minor allele frequency of the p.Arg656Cys variant in SLC9A6 in gnomAD v4.1 is 0.00001758 in the South Asian population, which is higher than the ClinGen Rett and Angelman-like Disorders VCEP threshold (≥0.0000083) for BS1, and therefore meets this criterion (BS1). However, there is only 1 hemizygous allele in gnomAD v4.1. Computational prediction analysis tools are inconclusive for this variant. Because this variant has been observed in only 1 allele in gnomAD v4.1, in the hemizygous state, the ClinGen Rett and Angelman-like Disorders Variant Curation Expert Panel has agreed to override the BS1 criterion and classified this variant as a Variant of Uncertain Significance (no criteria applied). (SLC9A6 Specifications v6.0; curation approved on 8/24/2026)

Ambry Genetics
Classification: Uncertain significance for Inborn genetic diseases. Last evaluated: 2025-12-08. Review status: criteria provided, single submitter. Criteria: Ambry Variant Classification Scheme 2023. Collection method: clinical testing. Allele origin: germline. Not counted in ClinVar's aggregate classification.

Labcorp Genetics (formerly Invitae), Labcorp
Classification: Uncertain significance for Christianson syndrome. Last evaluated: 2025-06-22. Review status: criteria provided, single submitter. Criteria: Invitae Variant Classification Sherloc (09022015). Collection method: clinical testing. Allele origin: germline. Not counted in ClinVar's aggregate classification.
Comment: This sequence change replaces arginine, which is basic and polar, with cysteine, which is neutral and slightly polar, at codon 646 of the SLC9A6 protein (p.Arg646Cys). This variant is present in population databases (rs782140621, gnomAD 0.005%), including at least one homozygous and/or hemizygous individual. This variant has not been reported in the literature in individuals affected with SLC9A6-related conditions. ClinVar contains an entry for this variant (Variation ID: 2504467). An algorithm developed to predict the effect of missense changes on protein structure and function (PolyPhen-2) suggests that this variant is likely to be disruptive. In summary, the available evidence is currently insufficient to determine the role of this variant in disease. Therefore, it has been classified as a Variant of Uncertain Significance.

Women's Health and Genetics/Laboratory Corporation of America, LabCorp
Classification: Uncertain significance. Last evaluated: 2025-04-08. Review status: criteria provided, single submitter. Criteria: LabCorp Variant Classification Summary - May 2015. Collection method: clinical testing. Allele origin: germline. Not counted in ClinVar's aggregate classification.
Comment: Variant summary: SLC9A6 c.1936C>T (p.Arg646Cys) results in a non-conservative amino acid change in the encoded protein sequence. Three of five in-silico tools predict a damaging effect of the variant on protein function. The variant allele was found at a frequency of 5.5e-06 in 183373 control chromosomes (gnomAD). The available data on variant occurrences in the general population are insufficient to allow any conclusion about variant significance. To our knowledge, no occurrence of c.1936C>T in individuals affected with Christianson Syndrome and no experimental evidence demonstrating its impact on protein function have been reported. ClinVar contains an entry for this variant (Variation ID: 2504467). Based on the evidence outlined above, the variant was classified as uncertain significance.

GeneDx
Classification: Uncertain significance. Last evaluated: 2022-12-02. Review status: criteria provided, single submitter. Criteria: GeneDx Variant Classification Process June 2021. Collection method: clinical testing. Allele origin: germline. Affected: yes. Not counted in ClinVar's aggregate classification.
Comment: In silico analysis supports that this missense variant has a deleterious effect on protein structure/function; Has not been previously published as pathogenic or benign to our knowledge

NM_001379110.1(SLC9A6):c.1966C>T (p.Arg656Cys)

Gene: SLC9A6 (solute carrier family 9 member A6; plus strand). Cytogenetic location: Xq26.3.
Variant type: single nucleotide variant.
Coding change: c.1966C>T on transcript NM_001379110.1 (MANE Select); coding-DNA position 1966, C replaced by T.
Protein change: p.Arg656Cys; replaces arginine 656 with cysteine.
Molecular consequence: missense variant.
Genome position (GRCh38, 1-based): chrX:136,044,650, C>T. VCF-style: chrX-136044650-C-T. GRCh37 (hg19) VCF-style: chrX-135126809-C-T.
Other names: NM_001379110.1(SLC9A6):c.1966C>T; p.Arg656Cys; c.1876C>T, p.Arg626Cys (NM_001400912.1, NM_001177651.2, NM_001400909.1 and 2 more transcripts); c.1780C>T, p.Arg594Cys (NM_001400913.1, NM_001330652.2); c.1936C>T, p.Arg646Cys (NM_006359.3); c.2032C>T, p.Arg678Cys (NM_001042537.2); short protein forms R594C, R626C, R646C, R656C, R678C.
Identifiers: ClinVar variation 2504467 (VCV002504467.6), dbSNP rs782140621, ClinGen allele CA10524881.